The following is an entry in ClinVar:

ClinVar aggregate classification (germline): Likely pathogenic (1 of 4 stars; one submission).

Conditions:
Osteogenesis imperfecta type III (OI3). Also called: Progressively Deforming Osteogenesis Imperfecta; Osteogenesis imperfecta type 3; OI type 3; Osteogenesis imperfecta, progressively deforming with normal sclerae; OI type III. Identifiers: Orphanet 216812, Orphanet 666, MedGen C0268362, MONDO:0009804, OMIM 259420.
Osteogenesis imperfecta, perinatal lethal (OI2). Also called: VROLIK TYPE OF OSTEOGENESIS IMPERFECTA; OSTEOGENESIS IMPERFECTA, TYPE II; OI, TYPE II; OSTEOGENESIS IMPERFECTA CONGENITA; Osteogenesis imperfecta type 2; Osteogenesis imperfecta, dominant perinatal lethal. Identifiers: Orphanet 216804, MedGen C0268358, MONDO:0008147, OMIM 166210.
Osteogenesis imperfecta with normal sclerae, dominant form (OI4). Also called: Osteogenesis imperfecta type 4; Common Variable Osteogenesis Imperfecta with Normal Sclerae; OSTEOGENESIS IMPERFECTA, TYPE IV, WITH DENTINOGENESIS IMPERFECTA; Osteogenesis Imperfecta Type IV; OSTEOGENESIS IMPERFECTA WITH NORMAL SCLERAE. Identifiers: Orphanet 216820, Orphanet 666, MedGen C0268363, MONDO:0008148, OMIM 166220.
Osteogenesis imperfecta type I (OI1). Also called: Osteogenesis imperfecta type 1; Lobstein's Disease; Classic Non-deforming Osteogenesis Imperfecta with Blue Sclerae; Lobstein disease; OI, TYPE I; OSTEOGENESIS IMPERFECTA TARDA. Identifiers: Orphanet 216796, Orphanet 666, MedGen C0023931, MONDO:0008146, OMIM 166200. Disease mechanism: loss of function.

Submission:

The Shared Resource Centre "Genome", Research Centre for Medical Genetics
Classification: Likely pathogenic for Osteogenesis imperfecta, perinatal lethal; Osteogenesis imperfecta type I; Osteogenesis imperfecta with normal sclerae, dominant form; Osteogenesis imperfecta type III. Review status: criteria provided, single submitter. Criteria: ACMG Guidelines, 2015. Collection method: curation. Allele origin: germline. Inheritance: Autosomal dominant inheritance. Affected: yes. Observed: 2 variant alleles, 2 heterozygotes.
Comment: The COL1A1 variant (chr17:50189527del, NM_000088.4: c.2679del, p.(Pro895LeufsTer213)) is a heterozygous frameshift variant (null variant in a gene where LOF is a known mechanism of disease) in two affected siblings (osteogenesis imperfecta), it was absent in both parents and not found in population databases.

NM_000088.4(COL1A1):c.2679del (p.Pro895fs)

Gene: COL1A1 (collagen type I alpha 1 chain; minus strand). Cytogenetic location: 17q21.33.
Variant type: Deletion.
Coding change: c.2679del on transcript NM_000088.4 (MANE Select); coding-DNA position 2679, one base deleted (A; older notation c.2679delA).
Protein change: p.Pro895fs; shifts the reading frame from proline 895.
Molecular consequence: frameshift variant.
Genome position (GRCh38, 1-based): chr17:50,189,527, T deleted on the plus strand (A on the coding strand, the reverse complement: COL1A1 is on the minus strand). VCF-style (leftmost placement, unchanged base first): chr17-50189526-GT-G. GRCh37 (hg19) VCF-style: chr17-48266887-GT-G.
Other names: short protein forms P895fs.
Identifiers: ClinVar variation 4070517 (VCV004070517.1).
Genomic context (GRCh38, chr17:50,189,526, plus strand): 5'-CAGTCTCACCACGGGGACCTTTGCCGCCTTCTTTGCCAGCAGGACCAGGAGGGCCAGGGG[GT>G]CCAGCATTTCCCTGGATGAGGATAGGAGGGGCTGTCAGACTCCAGGGGGCTCTGGTGCAT-3'